The following is an entry in ClinVar:

ClinVar aggregate classification (germline): Uncertain significance (1 of 4 stars; one submission).

Submission:

Labcorp Genetics (formerly Invitae), Labcorp
Classification: Uncertain significance. Last evaluated: 2022-05-07. Review status: criteria provided, single submitter. Criteria: Invitae Variant Classification Sherloc (09022015). Collection method: clinical testing. Allele origin: germline.
Comment: In summary, the available evidence is currently insufficient to determine the role of this variant in disease. Therefore, it has been classified as a Variant of Uncertain Significance. Algorithms developed to predict the effect of missense changes on protein structure and function (SIFT, PolyPhen-2, Align-GVGD) all suggest that this variant is likely to be disruptive. This variant has not been reported in the literature in individuals affected with CAMK2B-related conditions. This variant is not present in population databases (gnomAD no frequency). This sequence change replaces valine, which is neutral and non-polar, with isoleucine, which is neutral and non-polar, at codon 28 of the CAMK2B protein (p.Val28Ile).

NM_001220.5(CAMK2B):c.82G>A (p.Val28Ile)

Gene: CAMK2B (calcium/calmodulin dependent protein kinase II beta; minus strand). Cytogenetic location: 7p13.
Variant type: single nucleotide variant.
Coding change: c.82G>A on transcript NM_001220.5 (MANE Select); coding-DNA position 82, G replaced by A.
Protein change: p.Val28Ile; replaces valine 28 with isoleucine.
Molecular consequence: missense variant.
Genome position (GRCh38, 1-based): chr7:44,284,209, C>T on the plus strand (G>A on the coding strand, the complement: CAMK2B is on the minus strand). VCF-style: chr7-44284209-C-T. GRCh37 (hg19) VCF-style: chr7-44323808-C-T.
Other names: c.82G>A, p.Val28Ile (NM_001293170.2, NM_172078.3, NM_172079.3 and 5 more transcripts); short protein forms V28I.
Identifiers: ClinVar variation 2135072 (VCV002135072.4), dbSNP rs2487969009, ClinGen allele CA367379959.